The following is an entry in ClinVar:

ClinVar aggregate classification (germline): Benign. Review status: criteria provided, multiple submitters, no conflicts (2 of 4 stars). 3 submissions from 3 submitters: Benign (2). 1 of the submissions does not count toward it. Last evaluated 2015-11-20.

Conditions:
ZNF804A-related disorder. Also called: ZNF804A-related condition.

Allele frequency attached by ClinVar (database versions not stated): 1000 Genomes Project 0.03115; ExAC 0.05386; 1000 Genomes Project 30x 0.03045; TOPMed 0.04941; gnomAD 0.04999 and 0.05003; gnomAD exomes 0.05323 and 0.06727.
gnomAD v4.1: 105,515 of 1,610,546 alleles (6.6%); highest among the groups gnomAD compares: Middle Eastern, 8.2%; 3,802 homozygotes.

Submissions (3):

Genomic Diagnostic Laboratory, Division of Genomic Diagnostics, Children's Hospital of Philadelphia
Classification: Benign. Last evaluated: 2015-11-20. Review status: criteria provided, single submitter. Criteria: DGD Variant Analysis Guidelines. Collection method: clinical testing. Allele origin: unknown.

Breakthrough Genomics
Classification: Benign. Review status: criteria provided, single submitter. Criteria: ACMG Guidelines, 2015. Collection method: not provided. Allele origin: germline. Inheritance: Unknown mechanism. Affected: yes.

PreventionGenetics, part of Exact Sciences
Classification: Benign for ZNF804A-related condition. Last evaluated: 2019-12-09. Review status: no assertion criteria provided. Collection method: clinical testing. Allele origin: germline. Not counted in ClinVar's aggregate classification.
Comment: This variant is classified as benign based on ACMG/AMP sequence variant interpretation guidelines (Richards et al. 2015 PMID: 25741868, with internal and published modifications).

NM_194250.2(ZNF804A):c.1633G>A (p.Gly545Ser)

Gene: ZNF804A (zinc finger protein 804A; plus strand). Cytogenetic location: 2q32.1.
Variant type: single nucleotide variant.
Coding change: c.1633G>A on transcript NM_194250.2 (MANE Select); coding-DNA position 1633, G replaced by A.
Protein change: p.Gly545Ser; replaces glycine 545 with serine.
Molecular consequence: missense variant.
Genome position (GRCh38, 1-based): chr2:184,937,029, G>A. VCF-style: chr2-184937029-G-A. GRCh37 (hg19) VCF-style: chr2-185801756-G-A.
Other names: short protein forms G545S.
Identifiers: ClinVar variation 218863 (VCV000218863.5), dbSNP rs61739288, ClinGen allele CA249218.